The following is an entry in ClinVar:

ClinVar aggregate classification (germline): Likely benign (1 of 4 stars; one submission).

Allele frequency attached by ClinVar (database versions not stated): TOPMed 0.00037; gnomAD 0.00040.
gnomAD v4.1: 1,056 of 1,347,968 alleles (0.078%); highest among the groups gnomAD compares: Non-Finnish European, 0.093%; 1 homozygote.

Submission:

CeGaT Center for Human Genetics Tuebingen
Classification: Likely benign. Last evaluated: 2024-02-01. Review status: criteria provided, single submitter. Criteria: CeGaT Center For Human Genetics Tuebingen Variant Classification Criteria Version 2. Collection method: clinical testing. Allele origin: germline. Affected: yes. Observed: 1 variant allele.
Comment: MINAR2: BP4, BP7

NM_001257308.2(MINAR2):c.522C>T (p.Val174=)

Gene: MINAR2 (membrane integral NOTCH2 associated receptor 2; plus strand). Cytogenetic location: 5q23.3.
Variant type: single nucleotide variant.
Coding change: c.522C>T on transcript NM_001257308.2 (MANE Select); coding-DNA position 522, C replaced by T.
Protein change: p.Val174=; no amino-acid change (valine 174 retained).
Molecular consequence: synonymous variant.
Genome position (GRCh38, 1-based): chr5:129,765,012, C>T. VCF-style: chr5-129765012-C-T. GRCh37 (hg19) VCF-style: chr5-129100705-C-T.
Identifiers: ClinVar variation 3025031 (VCV003025031.22), dbSNP rs555644832, ClinGen allele CA127656515.